The following is an entry in ClinVar:

ClinVar aggregate classification (germline): Likely benign (1 of 4 stars; one submission).

Conditions:
ADCY3-related disorder. Also called: ADCY3-related condition.

gnomAD v4.1: 74 of 1,613,004 alleles (0.0046%); highest among the groups gnomAD compares: South Asian, 0.078%; 1 homozygote.

Submission:

PreventionGenetics, part of Exact Sciences
Classification: Likely benign for ADCY3-related condition. Last evaluated: 2025-01-07. Review status: criteria provided, single submitter. Criteria: ACMG Guidelines, 2015. Collection method: clinical testing. Allele origin: germline.
Comment: This variant is classified as likely benign based on ACMG/AMP sequence variant interpretation guidelines (Richards et al. 2015 PMID: 25741868, with internal and published modifications).

NM_004036.5(ADCY3):c.3369T>C (p.Asp1123=)

Genes: ADCY3 (adenylate cyclase 3; minus strand), CENPO (centromere protein O; plus strand). Cytogenetic location: 2p23.3.
Variant type: single nucleotide variant.
Coding change: c.3369T>C on transcript NM_004036.5 (MANE Select); coding-DNA position 3369, T replaced by C.
Protein change: p.Asp1123=; no amino-acid change (aspartic acid 1123 retained).
Molecular consequence: synonymous variant. On other transcripts: 3 prime UTR variant (4), non-coding transcript variant (3).
Genome position (GRCh38, 1-based): chr2:24,819,998, A>G on the plus strand (T>C on the coding strand, the complement: ADCY3 is on the minus strand). VCF-style: chr2-24819998-A-G. GRCh37 (hg19) VCF-style: chr2-25042867-A-G.
Other names: c.3372T>C, p.Asp1124= (NM_001320613.2); c.3435T>C, p.Asp1145= (NM_001377128.1); c.3231T>C, p.Asp1077= (NM_001377129.1); c.*110T>C (NM_001377130.1); c.2646T>C, p.Asp882= (NM_001377131.1); c.3369T>C, p.Asp1123= (NM_001377132.1); c.*680A>G (NM_001199803.3, NM_001322101.2, NM_024322.4).
Identifiers: ClinVar variation 4990422 (VCV004990422.1).
Genomic context (GRCh38, chr2:24,819,998, plus strand): 5'-GTTGTCCACCACCTGGTGGGGCAGTGTGACAGAGGGGCCATTGGGGAAGGTGGCTAGCTT[A>G]TCCCGCCCCTTCAAGAAGAAGGTCAGCAGCTCCCCCTTCCCCTTCACAAAGATGGGGCCT-3'
Protein context (NP_004027.2, residues 1113-1133): ELLTFFLKGR[Asp1123=]KLATFPNGPS